The following is an entry in ClinVar:

ClinVar aggregate classification (germline): Benign. Review status: criteria provided, multiple submitters, no conflicts (2 of 4 stars). 3 submissions from 3 submitters: Benign (3). Last evaluated 2025-06-04.

Allele frequency attached by ClinVar (database versions not stated): gnomAD exomes 0.26435; 1000 Genomes Project 0.29253; 1000 Genomes Project 30x 0.30137; gnomAD 0.30813 and 0.31370; TOPMed 0.31349.
gnomAD v4.1: 233,112 of 854,874 alleles (27%); highest among the groups gnomAD compares: African/African-American, 40%; 33,225 homozygotes.

Submissions (3):

Labcorp Genetics (formerly Invitae), Labcorp
Classification: Benign. Last evaluated: 2025-06-04. Review status: criteria provided, single submitter. Criteria: Invitae Variant Classification Sherloc (09022015). Collection method: clinical testing. Allele origin: germline.

GeneDx
Classification: Benign. Last evaluated: 2018-08-30. Review status: criteria provided, single submitter. Criteria: GeneDx Variant Classification Process June 2021. Collection method: clinical testing. Allele origin: germline. Affected: yes.
Comment: This variant is associated with the following publications: (PMID: 20650961)

Breakthrough Genomics
Classification: Benign. Review status: criteria provided, single submitter. Criteria: ACMG Guidelines, 2015. Collection method: not provided. Allele origin: germline. Inheritance: Autosomal recessive inheritance. Affected: yes.

NM_000237.3(LPL):c.1323-90T>G

Gene: LPL (lipoprotein lipase; plus strand). Cytogenetic location: 8p21.3.
Variant type: single nucleotide variant.
Coding change: c.1323-90T>G on transcript NM_000237.3 (MANE Select); 90 bases into the intron before coding-DNA position 1323, T replaced by G.
Molecular consequence: intron variant.
Genome position (GRCh38, 1-based): chr8:19,962,025, T>G. VCF-style: chr8-19962025-T-G. GRCh37 (hg19) VCF-style: chr8-19819536-T-G.
Identifiers: ClinVar variation 1165815 (VCV001165815.10), dbSNP rs327, ClinGen allele CA15540596.